The following is an entry in ClinVar:

ClinVar aggregate classification (germline): Pathogenic/Likely pathogenic. Review status: criteria provided, multiple submitters, no conflicts (2 of 4 stars). 2 submissions from 2 submitters: Pathogenic (1); Likely pathogenic (1). Last evaluated 2024-01-25.

Conditions:
Alstrom syndrome (ALMS). Identifiers: Orphanet 64, MedGen C0268425, MONDO:0008763, OMIM 203800.

gnomAD v4.1: 3 of 1,614,096 alleles (0.00019%); highest among the groups gnomAD compares: Non-Finnish European, 0.00025%; no homozygotes.

Submissions (2):

Labcorp Genetics (formerly Invitae), Labcorp
Classification: Pathogenic for Alstrom syndrome. Last evaluated: 2024-01-25. Review status: criteria provided, single submitter. Criteria: Invitae Variant Classification Sherloc (09022015). Collection method: clinical testing. Allele origin: germline.
Comment: This sequence change creates a premature translational stop signal (p.Gln1441*) in the ALMS1 gene. It is expected to result in an absent or disrupted protein product. Loss-of-function variants in ALMS1 are known to be pathogenic (PMID: 17594715). This variant is not present in population databases (gnomAD no frequency). This premature translational stop signal has been observed in individual(s) with Alström syndrome (PMID: 28432734). ClinVar contains an entry for this variant (Variation ID: 964040). For these reasons, this variant has been classified as Pathogenic.

Fulgent Genetics
Classification: Likely pathogenic for Alstrom syndrome. Last evaluated: 2021-10-08. Review status: criteria provided, single submitter. Criteria: ACMG Guidelines, 2015. Collection method: clinical testing. Allele origin: unknown.

Literature cited by the submitters: PubMed 17594715 (cited by Labcorp Genetics (formerly Invitae), Labcorp); PubMed 28432734 (cited by Labcorp Genetics (formerly Invitae), Labcorp).

NM_001378454.1(ALMS1):c.4318C>T (p.Gln1440Ter)

Gene: ALMS1 (ALMS1 centrosome and basal body associated protein; plus strand). Cytogenetic location: 2p13.1.
Variant type: single nucleotide variant.
Coding change: c.4318C>T on transcript NM_001378454.1 (MANE Select); coding-DNA position 4318, C replaced by T.
Protein change: p.Gln1440Ter; replaces glutamine 1440 with a stop codon.
Molecular consequence: nonsense.
Genome position (GRCh38, 1-based): chr2:73,450,845, C>T. VCF-style: chr2-73450845-C-T. GRCh37 (hg19) VCF-style: chr2-73677972-C-T.
Other names: c.4321C>T, p.Gln1441Ter (NM_015120.4); short protein forms Q1440*, Q1441*.
Identifiers: ClinVar variation 964040 (VCV000964040.11), dbSNP rs1208636696, ClinGen allele CA347278099.
Genomic context (GRCh38, chr2:73,450,845, plus strand): 5'-GGGATACCAACTTTACCCTCTACTTTCTACTCACACACAGAGAAGCCTGGTAGTTTCTAC[C>T]AACAGGTCTTGCCACATAGTCATCTACCTGAAGAGGCTTTGGAAGTTTCAGTTGCTCCTG-3'